The following is an entry in ClinVar:

NM_014780.5(CUL7):c.4186C>T (p.Arg1396Ter)

Gene: CUL7 (cullin 7; minus strand). Cytogenetic location: 6p21.1.
Variant type: single nucleotide variant.
Coding change: c.4186C>T on transcript NM_014780.5 (MANE Select); coding-DNA position 4186, C replaced by T.
Protein change: p.Arg1396Ter; replaces arginine 1396 with a stop codon.
Molecular consequence: nonsense.
Genome position (GRCh38, 1-based): chr6:43,040,264, G>A on the plus strand (C>T on the coding strand, the complement: CUL7 is on the minus strand). VCF-style: chr6-43040264-G-A. GRCh37 (hg19) VCF-style: chr6-43008002-G-A.
Other names: c.4282C>T, p.Arg1428Ter (NM_001168370.2, NM_001374872.1); c.4186C>T, p.Arg1396Ter (NM_001374873.1); c.4183C>T, p.Arg1395Ter (NM_001374874.1); short protein forms R1395*, R1396*, R1428*.
Identifiers: ClinVar variation 3901932 (VCV003901932.1).

ClinVar aggregate classification (germline): Pathogenic (1 of 4 stars; one submission).

Conditions:
3M syndrome 1. Also called: 3-M Syndrome, CUL7-Related. Identifiers: Orphanet 2616, MedGen C2678312, MONDO:0010117, OMIM 273750.

gnomAD v4.1: 8 of 1,614,000 alleles (0.0005%); highest among the groups gnomAD compares: African/African-American, 0.0027%; no homozygotes.

Submission:

Laboratorio de Genetica e Diagnostico Molecular, Hospital Israelita Albert Einstein
Classification: Pathogenic for 3M syndrome 1. Last evaluated: 2023-05-19. Review status: criteria provided, single submitter. Criteria: ACMG Guidelines, 2015. Collection method: clinical testing. Allele origin: germline. Affected: yes.
Comment: ACMG classification criteria: PVS1 very strong, PM2 moderate, PM3 moderate